The following is an entry in ClinVar:

ClinVar aggregate classification (germline): Conflicting classifications of pathogenicity. Review status: criteria provided, conflicting classifications (1 of 4 stars). 7 submissions from 7 submitters: Pathogenic (1); Likely pathogenic (4); Uncertain significance (2). Last evaluated 2025-10-01.

Conditions:
CACNA1A-related disorder. Also called: CACNA1A-related condition.
Migraine, familial hemiplegic, 1. Also called: MIGRAINE, FAMILIAL HEMIPLEGIC 1, WITH PROGRESSIVE CEREBELLAR ATAXIA. Identifiers: Orphanet 569, MedGen C1832884, MONDO:0020756, OMIM 141500, MONDO:0007714.
Spinocerebellar ataxia type 6 (SCA6). Identifiers: Orphanet 98758, MedGen C0752124, MONDO:0008457, OMIM 183086.
Developmental and epileptic encephalopathy, 42 (DEE42A). Also called: Epileptic encephalopathy, early infantile, 42; EPILEPTIC ENCEPHALOPATHY, EARLY INFANTILE, 42A; DEVELOPMENTAL AND EPILEPTIC ENCEPHALOPATHY 42A. Identifiers: MedGen C4310716, MONDO:0014917, OMIM 617106.
Episodic ataxia type 2 (EA2). Also called: ATAXIA, EPISODIC, WITH NYSTAGMUS; ATAXIA, FAMILIAL PAROXYSMAL; CEREBELLAR ATAXIA, PAROXYSMAL, ACETAZOLAMIDE-RESPONSIVE; CEREBELLOPATHY, HEREDITARY PAROXYSMAL; EPISODIC ATAXIA, NYSTAGMUS-ASSOCIATED; ACETAZOLAMIDE-RESPONSIVE HEREDITARY PAROXYSMAL CEREBELLAR ATAXIA. Identifiers: Orphanet 97, MedGen C1720416, MONDO:0007163, OMIM 108500.

Submissions (7):

Mayo Clinic Laboratories, Mayo Clinic
Classification: Likely pathogenic. Last evaluated: 2025-10-01. Review status: criteria provided, single submitter. Criteria: ACMG Guidelines, 2015. Collection method: clinical testing. Allele origin: germline. Observed: 1 variant allele.
Comment: PP3_strong, PM2_supporting, PS4_moderate

Athena Diagnostics
Classification: Likely pathogenic. Last evaluated: 2025-09-19. Review status: criteria provided, single submitter. Criteria: Athena Diagnostics Criteria. Collection method: clinical testing. Allele origin: unknown.
Comment: This variant has not been reported in large, multi-ethnic general populations. This variant has been identified in multiple unrelated individuals with autosomal dominant episodic ataxia. Polyphen and MutationTaster predict this amino acid change may be damaging to the protein. The variant is located in a region that is considered important for protein function and/or structure.

GeneDx
Classification: Pathogenic. Last evaluated: 2025-02-06. Review status: criteria provided, single submitter. Criteria: GeneDx Variant Classification Process June 2021. Collection method: clinical testing. Allele origin: germline.
Comment: Not observed at significant frequency in large population cohorts (gnomAD); In silico analysis supports that this missense variant has a deleterious effect on protein structure/function; This variant is associated with the following publications: (PMID: 33163565, 29915382, 34068417, 30063100, 32116539, 30692599, 39237642)

Labcorp Genetics (formerly Invitae), Labcorp
Classification: Likely pathogenic for Developmental and epileptic encephalopathy, 42; Episodic ataxia type 2. Last evaluated: 2023-05-02. Review status: criteria provided, single submitter. Criteria: Invitae Variant Classification Sherloc (09022015). Collection method: clinical testing. Allele origin: germline.
Comment: In summary, the currently available evidence indicates that the variant is pathogenic, but additional data are needed to prove that conclusively. Therefore, this variant has been classified as Likely Pathogenic. Advanced modeling of protein sequence and biophysical properties (such as structural, functional, and spatial information, amino acid conservation, physicochemical variation, residue mobility, and thermodynamic stability) performed at Invitae indicates that this missense variant is expected to disrupt CACNA1A protein function. ClinVar contains an entry for this variant (Variation ID: 210556). This missense change has been observed in individuals with clinical features of autosomal dominant CACNA1A-related conditions (PMID: 30063100, 30692599, 33163565). This variant is not present in population databases (gnomAD no frequency). This sequence change replaces arginine, which is basic and polar, with glutamine, which is neutral and polar, at codon 198 of the CACNA1A protein (p.Arg198Gln).

Blueprint Genetics
Classification: Likely pathogenic for CACNA1A-related disorders. Last evaluated: 2022-09-26. Review status: criteria provided, single submitter. Criteria: ACMG Guidelines, 2015. Collection method: clinical testing. Allele origin: germline. Affected: yes. Observed: 2 variant alleles.

Fulgent Genetics
Classification: Uncertain significance for Episodic ataxia type 2; Migraine, familial hemiplegic, 1; Spinocerebellar ataxia type 6; Developmental and epileptic encephalopathy, 42. Last evaluated: 2018-10-31. Review status: criteria provided, single submitter. Criteria: ACMG Guidelines, 2015. Collection method: clinical testing. Allele origin: unknown.

Genetic Services Laboratory, University of Chicago
Classification: Uncertain significance. Last evaluated: 2015-01-09. Review status: criteria provided, single submitter. Criteria: ACMG Guidelines, 2015. Collection method: clinical testing. Allele origin: germline.

Literature cited by the submitters: PubMed 29915382 (cited by Mayo Clinic Laboratories, Mayo Clinic and Athena Diagnostics); PubMed 30063100 (cited by 3 submitters); PubMed 30692599 (cited by 3 submitters); PubMed 32116539 (cited by Mayo Clinic Laboratories, Mayo Clinic); PubMed 32899500 (cited by Mayo Clinic Laboratories, Mayo Clinic); PubMed 33163565 (cited by 3 submitters); PubMed 34068417 (cited by Mayo Clinic Laboratories, Mayo Clinic); PubMed 34507393 (cited by Mayo Clinic Laboratories, Mayo Clinic); PubMed 40273470 (cited by Mayo Clinic Laboratories, Mayo Clinic); PubMed 39110218 (cited by Athena Diagnostics); PubMed 39048885 (cited by Athena Diagnostics).

NM_001127222.2(CACNA1A):c.593G>A (p.Arg198Gln)

Gene: CACNA1A (calcium voltage-gated channel subunit alpha1 A; minus strand). Cytogenetic location: 19p13.13.
Variant type: single nucleotide variant.
Coding change: c.593G>A on transcript NM_001127222.2 (MANE Select); coding-DNA position 593, G replaced by A.
Protein change: p.Arg198Gln; replaces arginine 198 with glutamine.
Molecular consequence: missense variant.
Genome position (GRCh38, 1-based): chr19:13,371,726, C>T on the plus strand (G>A on the coding strand, the complement: CACNA1A is on the minus strand). VCF-style: chr19-13371726-C-T. GRCh37 (hg19) VCF-style: chr19-13482540-C-T.
Other names: p.Arg198Gln; c.593G>A, p.Arg198Gln (NM_000068.4, NM_001127221.2, NM_001174080.2 and 1 more transcripts); short protein forms R198Q.
Identifiers: ClinVar variation 210556 (VCV000210556.15), dbSNP rs797045424, ClinGen allele CA207980.